The following is an entry in ClinVar:

NM_000302.4(PLOD1):c.535G>A (p.Asp179Asn)

Gene: PLOD1 (procollagen-lysine,2-oxoglutarate 5-dioxygenase 1; plus strand). Cytogenetic location: 1p36.22.
Variant type: single nucleotide variant.
Coding change: c.535G>A on transcript NM_000302.4 (MANE Select); coding-DNA position 535, G replaced by A.
Protein change: p.Asp179Asn; replaces aspartic acid 179 with asparagine.
Molecular consequence: missense variant.
Genome position (GRCh38, 1-based): chr1:11,952,691, G>A. VCF-style: chr1-11952691-G-A. GRCh37 (hg19) VCF-style: chr1-12012748-G-A.
Other names: c.676G>A, p.Asp226Asn (NM_001316320.2); short protein forms D179N, D226N.
Identifiers: ClinVar variation 934185 (VCV000934185.8), dbSNP rs188165334, ClinGen allele CA597933.

ClinVar aggregate classification (germline): Uncertain significance. Review status: criteria provided, multiple submitters, no conflicts (2 of 4 stars). 2 submissions from 2 submitters: Uncertain significance (2). Last evaluated 2025-03-04.

Conditions:
Ehlers-Danlos syndrome, kyphoscoliotic type 1 (EDSKSCL1). Also called: Ehlers-Danlos syndrome, hydroxylysine-deficient; EHLERS-DANLOS SYNDROME, TYPE VIA; EHLERS-DANLOS SYNDROME, OCULAR-SCOLIOTIC TYPE; PLOD1-Related Kyphoscoliotic Ehlers-Danlos Syndrome. Identifiers: Orphanet 1900, MedGen C0268342, MONDO:0016002, OMIM 225400. Disease mechanism: loss of function.
Familial thoracic aortic aneurysm and aortic dissection (TAAD). Also called: Thoracic aortic aneurysms and dissections. Identifiers: Orphanet 91387, MedGen C4707243, MONDO:0019625.

Allele frequency attached by ClinVar (database versions not stated): TOPMed 0.00001.
gnomAD v4.1: 104 of 1,614,030 alleles (0.0064%); highest among the groups gnomAD compares: South Asian, 0.09%; no homozygotes.

Submissions (2):

Ambry Genetics
Classification: Uncertain significance for Familial thoracic aortic aneurysm and aortic dissection. Last evaluated: 2025-03-04. Review status: criteria provided, single submitter. Criteria: Ambry Variant Classification Scheme 2023. Collection method: clinical testing. Allele origin: germline.
Comment: The p.D179N variant (also known as c.535G>A), located in coding exon 5 of the PLOD1 gene, results from a G to A substitution at nucleotide position 535. The aspartic acid at codon 179 is replaced by asparagine, an amino acid with highly similar properties. This amino acid position is conserved. In addition, this alteration is predicted to be tolerated by in silico analysis. Since supporting evidence is limited at this time, the clinical significance of this alteration remains unclear.

Labcorp Genetics (formerly Invitae), Labcorp
Classification: Uncertain significance for Ehlers-Danlos syndrome, kyphoscoliotic type 1. Last evaluated: 2021-12-30. Review status: criteria provided, single submitter. Criteria: Invitae Variant Classification Sherloc (09022015). Collection method: clinical testing. Allele origin: germline.
Comment: This sequence change replaces aspartic acid, which is acidic and polar, with asparagine, which is neutral and polar, at codon 179 of the PLOD1 protein (p.Asp179Asn). This variant is present in population databases (rs188165334, gnomAD 0.07%). This variant has not been reported in the literature in individuals affected with PLOD1-related conditions. ClinVar contains an entry for this variant (Variation ID: 934185). Algorithms developed to predict the effect of missense changes on protein structure and function are either unavailable or do not agree on the potential impact of this missense change (SIFT: "Deleterious"; PolyPhen-2: "Possibly Damaging"; Align-GVGD: "Class C15"). In summary, the available evidence is currently insufficient to determine the role of this variant in disease. Therefore, it has been classified as a Variant of Uncertain Significance.